The following is an entry in ClinVar:

ClinVar aggregate classification (germline): Pathogenic (1 of 4 stars; one submission).

Submission:

GeneDx
Classification: Pathogenic. Last evaluated: 2017-09-29. Review status: criteria provided, single submitter. Criteria: GeneDx Variant Classification (06012015). Collection method: clinical testing. Allele origin: germline. Affected: yes.
Comment: The c.1284_1290delTATTTACins15 variant in the SLC9A6 gene has not been reported previously as a pathogenic variant nor as a benign variant, to our knowledge. The c.1284_1290delTATTTACins15 variant causes a frameshift starting with codon Asparagine 428, changes this amino acid to a Lysine residue, and creates a premature Stop codon at position 27 of the new reading frame, denoted p.Asn428LysfsX27. This variant is predicted to cause loss of normal protein function either through protein truncation or nonsense-mediated mRNA decay. The c.1284_1290delTATTTACins15 variant is not observed in large population cohorts (Lek et al., 2016). We interpret c.1284_1290delTATTTACins15 as a pathogenic variant

NM_001379110.1(SLC9A6):c.1224_1230delinsGTCTTGGGAAGAGCT (p.Asn408fs)

Gene: SLC9A6 (solute carrier family 9 member A6; plus strand). Cytogenetic location: Xq26.3.
Variant type: Indel.
Coding change: c.1224_1230delinsGTCTTGGGAAGAGCT on transcript NM_001379110.1 (MANE Select); coding-DNA positions 1224 to 1230, TATTTAC replaced by GTCTTGGGAAGAGCT.
Protein change: p.Asn408fs; shifts the reading frame from asparagine 408.
Molecular consequence: frameshift variant.
Genome position (GRCh38, 1-based): chrX:136,022,615-136,022,621, TATTTAC replaced by GTCTTGGGAAGAGCT. VCF-style: chrX-136022615-TATTTAC-GTCTTGGGAAGAGCT. GRCh37 (hg19) VCF-style: chrX-135104774-TATTTAC-GTCTTGGGAAGAGCT.
Other names: c.1380_1386delinsGTCTTGGGAAGAGCT, p.Asn460fs (NM_001042537.2); c.1224_1230delinsGTCTTGGGAAGAGCT, p.Asn408fs (NM_001177651.2); c.1128_1134delinsGTCTTGGGAAGAGCT, p.Asn376fs (NM_001330652.2); c.1284_1290delinsGTCTTGGGAAGAGCT, p.Asn428fs (NM_006359.3); short protein forms N376fs, N408fs, N460fs, N428fs.
Identifiers: ClinVar variation 452555 (VCV000452555.2), dbSNP rs1556620027, ClinGen allele CA658659046.
Genomic context (GRCh38, chrX:136,022,615, plus strand): 5'-GAAATGATCCTTAACCTATTAATAATTTTAGGTTGCTATTTTCTTGGGAAGAGCTGCCAA[TATTTAC>GTCTTGGGAAGAGCT]CCCTTGTCCCTCTTACTTAATTTGGGTAGAAGAAGTAAGATTGGATCAAATTTTCAACAC-3'